The following is an entry in ClinVar:

ClinVar aggregate classification (germline): Likely pathogenic (1 of 4 stars; one submission).

Conditions:
Inborn genetic diseases. Identifiers: MedGen C0950123, MeSH D030342.

Submission:

Ambry Genetics
Classification: Likely pathogenic for Inborn genetic diseases. Last evaluated: 2024-12-23. Review status: criteria provided, single submitter. Criteria: Ambry Variant Classification Scheme 2023. Collection method: clinical testing. Allele origin: germline.
Comment: The c.2468G>A (p.C823Y) alteration is located in exon 4 (coding exon 4) of the TET3 gene. This alteration results from a G to A substitution at nucleotide position 2468, causing the cysteine (C) at amino acid position 823 to be replaced by a tyrosine (Y). This variant was not reported in population-based cohorts in the Genome Aggregation Database (gnomAD). This amino acid position is highly conserved in available vertebrate species. This missense alteration is located in a region that has a low rate of benign missense variation (Lek, 2016; Firth, 2009). This alteration is predicted to be deleterious by in silico analysis. Based on the available evidence, this alteration is classified as likely pathogenic.

NM_001287491.2(TET3):c.2873G>A (p.Cys958Tyr)

Gene: TET3 (tet methylcytosine dioxygenase 3; plus strand). Cytogenetic location: 2p13.1.
Variant type: single nucleotide variant.
Coding change: c.2873G>A on transcript NM_001287491.2 (MANE Select); coding-DNA position 2873, G replaced by A.
Protein change: p.Cys958Tyr; replaces cysteine 958 with tyrosine.
Molecular consequence: missense variant.
Genome position (GRCh38, 1-based): chr2:74,088,023, G>A. VCF-style: chr2-74088023-G-A. GRCh37 (hg19) VCF-style: chr2-74315150-G-A.
Other names: c.2594G>A, p.Cys865Tyr (NM_001366022.1); c.2468G>A (NM_144993.1); short protein forms C865Y, C958Y.
Identifiers: ClinVar variation 3806132 (VCV003806132.1).